The following is an entry in ClinVar:

NM_004260.4(RECQL4):c.1887_1890del (p.Glu630fs)

Gene: RECQL4 (RecQ like helicase 4; minus strand). Cytogenetic location: 8q24.3.
Variant type: Deletion.
Coding change: c.1887_1890del on transcript NM_004260.4 (MANE Select); coding-DNA positions 1887 to 1890, 4 bases deleted (GGAG; older notation c.1887_1890delGGAG).
Protein change: p.Glu630fs; shifts the reading frame from glutamic acid 630.
Molecular consequence: frameshift variant.
Genome position (GRCh38, 1-based): chr8:144,514,096-144,514,099, CTCC deleted on the plus strand (GGAG on the coding strand, the reverse complement: RECQL4 is on the minus strand); deleting any 4 consecutive bases within chr8:144,514,096-144,514,100 gives the same sequence; the c. name uses the placement nearest the transcript's 3' end. VCF-style (leftmost placement, unchanged base first): chr8-144514095-GCTCC-G. GRCh37 (hg19) VCF-style: chr8-145739479-GCTCC-G.
Other names: c.1887_1890delGGAG (NM_004260.3); short protein forms E630fs.
Identifiers: ClinVar variation 56402 (VCV000056402.4), dbSNP rs386833847, ClinGen allele CA144329.

ClinVar aggregate classification (germline): Pathogenic. Review status: criteria provided, single submitter (1 of 4 stars). 2 submissions from 2 submitters: Pathogenic (1). 1 of the submissions does not count toward it. Last evaluated 2024-11-05.

Conditions:
Baller-Gerold syndrome (BGS). Also called: CRANIOSYNOSTOSIS WITH RADIAL DEFECTS. Identifiers: Orphanet 1225, MedGen C0265308, MONDO:0009039, OMIM 218600.
Rapadilino syndrome. Identifiers: Orphanet 3021, MedGen C1849453, MONDO:0009955, OMIM 266280.

Submissions (2):

Labcorp Genetics (formerly Invitae), Labcorp
Classification: Pathogenic for Baller-Gerold syndrome. Last evaluated: 2024-11-05. Review status: criteria provided, single submitter. Criteria: Invitae Variant Classification Sherloc (09022015). Collection method: clinical testing. Allele origin: germline.
Comment: This sequence change creates a premature translational stop signal (p.Glu630Alafs*59) in the RECQL4 gene. It is expected to result in an absent or disrupted protein product. Loss-of-function variants in RECQL4 are known to be pathogenic (PMID: 12734318, 12952869). This variant is not present in population databases (gnomAD no frequency). This premature translational stop signal has been observed in individual(s) with Rothmund-Thompson syndrome (PMID: 18716613). ClinVar contains an entry for this variant (Variation ID: 56402). For these reasons, this variant has been classified as Pathogenic.

Juha Muilu Group; Institute for Molecular Medicine Finland (FIMM)
Classification: Likely pathogenic for Rapadilino syndrome. Review status: no assertion criteria provided. Collection method: not provided. Allele origin: unknown. Not counted in ClinVar's aggregate classification.
Comment: FinDis database variant: This variant was not found or characterized by our laboratory, data were collected from public sources: see reference
ClinVar note: Converted during submission from probable-pathogenic to Likely pathogenic.

Literature cited by the submitters: PubMed 12734318 (cited by Labcorp Genetics (formerly Invitae), Labcorp); PubMed 12952869 (cited by Labcorp Genetics (formerly Invitae), Labcorp); PubMed 18716613 (cited by Labcorp Genetics (formerly Invitae), Labcorp).